The following is an entry in ClinVar:

ClinVar aggregate classification (germline): Likely pathogenic. Review status: criteria provided, single submitter (1 of 4 stars). 2 submissions from 2 submitters: Likely pathogenic (1). 1 of the submissions does not count toward it. Last evaluated 2018-10-15.

Conditions:
Spondylometaphyseal dysplasia - Sutcliffe type. Also called: Spondylometaphyseal Dysplasia, Corner Fracture Type; Sutcliffe type of spondylometaphyseal dysplasia; Sutcliffe SMD; Spondylometaphyseal dysplasia, 'corner fracture' type. Identifiers: Orphanet 93315, MedGen C0432221, MONDO:0008479, OMIM 184255.
Spondylometaphyseal dysplasia. Identifiers: Orphanet 254, MedGen C4759767, MONDO:0016763, HP:0002657.

Submissions (2):

SIB Swiss Institute of Bioinformatics
Classification: Likely pathogenic for Spondylometaphyseal dysplasia - Sutcliffe type. Last evaluated: 2018-10-15. Review status: criteria provided, single submitter. Criteria: ACMG Guidelines, 2015. Collection method: curation. Allele origin: unknown.
Comment: This variant is interpreted as Likely Pathogenic, for Spondylometaphyseal dysplasia, corner fracture type, autosomal dominant. The following ACMG Tag(s) were applied: PM6 => Assumed de novo, but without confirmation of paternity and maternity (PubMed 29100092). PP3 => Multiple lines of computational evidence support a deleterious effect on the gene or gene product. PM2 => Absent from controls (or at extremely low frequency if recessive) in Exome Sequencing Project, 1000 Genomes Project, or Exome Aggregation Consortium. PM1 => Located in a mutational hot spot and/or critical and well-established functional domain (e.g., active site of an enzyme) without benign variation. Replaces a cysteine involved in disulfide bond. PS3-Moderate => PS3 downgraded in strength to Moderate.

CHU Sainte-Justine Research Center, University of Montreal
Classification: Likely pathogenic for Spondylometaphyseal dysplasia. Last evaluated: 2017-02-25. Review status: no assertion criteria provided. Collection method: research. Allele origin: germline. Affected: yes. Not counted in ClinVar's aggregate classification.
Comment: 6 Individuals with novel FN1 mutations and spondylometaphyseal dysplasia

Literature cited by the submitters: PubMed 29100092 (cited by SIB Swiss Institute of Bioinformatics).

NM_212482.4(FN1):c.778T>G (p.Cys260Gly)

Gene: FN1 (fibronectin 1; minus strand). Cytogenetic location: 2q35.
Variant type: single nucleotide variant.
Coding change: c.778T>G on transcript NM_212482.4 (MANE Select); coding-DNA position 778, T replaced by G.
Protein change: p.Cys260Gly; replaces cysteine 260 with glycine.
Molecular consequence: missense variant.
Genome position (GRCh38, 1-based): chr2:215,428,246, A>C on the plus strand (T>G on the coding strand, the complement: FN1 is on the minus strand). VCF-style: chr2-215428246-A-C. GRCh37 (hg19) VCF-style: chr2-216292969-A-C.
Other names: c.778T>G, p.Cys260Gly (NM_001306129.2, NM_001306130.2, NM_001306131.2 and 14 more transcripts); short protein forms C260G.
Identifiers: ClinVar variation 424647 (VCV000424647.1), dbSNP rs1553658926, ClinGen allele CA350473823.